The following is an entry in ClinVar:

NM_014638.4(PLCH2):c.2181C>T (p.Asn727=)

Gene: PLCH2 (phospholipase C eta 2; plus strand). Cytogenetic location: 1p36.32.
Variant type: single nucleotide variant.
Coding change: c.2181C>T on transcript NM_014638.4 (MANE Select); coding-DNA position 2181, C replaced by T.
Protein change: p.Asn727=; no amino-acid change (asparagine 727 retained).
Molecular consequence: synonymous variant.
Genome position (GRCh38, 1-based): chr1:2,497,566, C>T. VCF-style: chr1-2497566-C-T. GRCh37 (hg19) VCF-style: chr1-2429005-C-T.
Other names: c.2100C>T, p.Asn700= (NM_001303012.2); c.2241C>T, p.Asn747= (NM_001303013.1).
Identifiers: ClinVar variation 2638080 (VCV002638080.24), dbSNP rs529532890, ClinGen allele CA539189.
Genomic context (GRCh38, chr1:2,497,566, plus strand): 5'-CCTGAACTACCAGTCAGAGGGGCGGATGCTGCAGCTGAACCGAGCCAAGTTCAGCGCCAA[C>T]GGTGGCTGCGGCTACGTACTCAAGCCTGGGTGCATGTGCCAGGGTGAGGCACTCGGACAC-3'
Protein context (NP_055453.2, residues 717-737): LQLNRAKFSA[Asn727=]GGCGYVLKPG

ClinVar aggregate classification (germline): Likely benign (1 of 4 stars; one submission).

Allele frequency attached by ClinVar (database versions not stated): gnomAD 0.00003; gnomAD exomes 0.00005; TOPMed 0.00005; ExAC 0.00013; 1000 Genomes Project 30x 0.00031; 1000 Genomes Project 0.00040.
gnomAD v4.1: 80 of 1,563,974 alleles (0.0051%); highest among the groups gnomAD compares: South Asian, 0.048%; 1 homozygote.

Submission:

CeGaT Center for Human Genetics Tuebingen
Classification: Likely benign. Last evaluated: 2022-11-01. Review status: criteria provided, single submitter. Criteria: CeGaT Center For Human Genetics Tuebingen Variant Classification Criteria Version 2. Collection method: clinical testing. Allele origin: germline. Affected: yes. Observed: 1 variant allele.
Comment: PLCH2: BP4, BP7